The following is an entry in ClinVar:

ClinVar aggregate classification (germline): Uncertain significance (1 of 4 stars; one submission).

Conditions:
Wilson disease (WND). Also called: Wilson's disease. Identifiers: Orphanet 905, MedGen C0019202, MONDO:0010200, OMIM 277900. Disease mechanism: loss of function.

gnomAD v4.1: 2 of 1,613,916 alleles (0.00012%); highest among the groups gnomAD compares: Admixed American, 0.0017%; no homozygotes.

Submission:

Labcorp Genetics (formerly Invitae), Labcorp
Classification: Uncertain significance for Wilson disease. Last evaluated: 2022-07-21. Review status: criteria provided, single submitter. Criteria: Invitae Variant Classification Sherloc (09022015). Collection method: clinical testing. Allele origin: germline.
Comment: This sequence change replaces proline, which is neutral and non-polar, with leucine, which is neutral and non-polar, at codon 1394 of the ATP7B protein (p.Pro1394Leu). This variant is present in population databases (no rsID available, gnomAD 0.004%). This variant has not been reported in the literature in individuals affected with ATP7B-related conditions. ClinVar contains an entry for this variant (Variation ID: 1020548). Advanced modeling of protein sequence and biophysical properties (such as structural, functional, and spatial information, amino acid conservation, physicochemical variation, residue mobility, and thermodynamic stability) performed at Invitae indicates that this missense variant is not expected to disrupt ATP7B protein function. In summary, the available evidence is currently insufficient to determine the role of this variant in disease. Therefore, it has been classified as a Variant of Uncertain Significance.

NM_000053.4(ATP7B):c.4181C>T (p.Pro1394Leu)

Gene: ATP7B (ATPase copper transporting beta; minus strand). Cytogenetic location: 13q14.3.
Variant type: single nucleotide variant.
Coding change: c.4181C>T on transcript NM_000053.4 (MANE Select); coding-DNA position 4181, C replaced by T.
Protein change: p.Pro1394Leu; replaces proline 1394 with leucine.
Molecular consequence: missense variant.
Genome position (GRCh38, 1-based): chr13:51,934,973, G>A on the plus strand (C>T on the coding strand, the complement: ATP7B is on the minus strand). VCF-style: chr13-51934973-G-A. GRCh37 (hg19) VCF-style: chr13-52509109-G-A.
Other names: c.3560C>T, p.Pro1187Leu (NM_001005918.3); c.3848C>T, p.Pro1283Leu (NM_001243182.2); c.3947C>T, p.Pro1316Leu (NM_001330578.2); c.3929C>T, p.Pro1310Leu (NM_001330579.2); short protein forms P1187L, P1283L, P1310L, P1316L, P1394L.
Identifiers: ClinVar variation 1020548 (VCV001020548.6), dbSNP rs1041361346, ClinGen allele CA388019664.